The following is an entry in ClinVar:

ClinVar aggregate classification (germline): Uncertain significance (1 of 4 stars; one submission).

Conditions:
Arrhythmogenic right ventricular dysplasia 5. Also called: Arrhythmogenic Right Ventricular Dysplasia/Cardiomyopathy 5; ARRHYTHMOGENIC RIGHT VENTRICULAR DYSPLASIA, FAMILIAL, 5. Identifiers: MedGen C1858379, MONDO:0011459, OMIM 604400.

Submission:

Labcorp Genetics (formerly Invitae), Labcorp
Classification: Uncertain significance for Arrhythmogenic right ventricular dysplasia 5. Last evaluated: 2023-11-01. Review status: criteria provided, single submitter. Criteria: Invitae Variant Classification Sherloc (09022015). Collection method: clinical testing. Allele origin: unknown.
Comment: This variant is a gross deletion of the genomic region encompassing exon(s) 11-12 of the TMEM43 gene, which includes the termination codon. This deletion extends beyond the assayed region for this gene and therefore may encompass additional genes. While this deletion is not anticipated to lead to nonsense mediated decay, it is expected to alter mRNA translation or result in a truncated protein product. This variant has not been reported in the literature in individuals affected with TMEM43-related conditions. Experimental studies and prediction algorithms are not available or were not evaluated, and the functional significance of this variant is currently unknown. In summary, the available evidence is currently insufficient to determine the role of this variant in disease. Therefore, it has been classified as a Variant of Uncertain Significance.

NC_000003.11:g.(?_14180660)_(14183295_?)del

Gene: TMEM43 (transmembrane protein 43; plus strand). Cytogenetic location: 3p25.1.
Variant type: Deletion.
Identifiers: ClinVar variation 3246887 (VCV003246887.1).